The following is an entry in ClinVar:

NM_001080467.3(MYO5B):c.1130G>A (p.Cys377Tyr)

Gene: MYO5B (myosin VB; minus strand). Cytogenetic location: 18q21.1.
Variant type: single nucleotide variant.
Coding change: c.1130G>A on transcript NM_001080467.3 (MANE Select); coding-DNA position 1130, G replaced by A.
Protein change: p.Cys377Tyr; replaces cysteine 377 with tyrosine.
Molecular consequence: missense variant.
Genome position (GRCh38, 1-based): chr18:49,974,542, C>T on the plus strand (G>A on the coding strand, the complement: MYO5B is on the minus strand). VCF-style: chr18-49974542-C-T. GRCh37 (hg19) VCF-style: chr18-47500912-C-T.
Other names: short protein forms C377Y.
Identifiers: ClinVar variation 4625583 (VCV004625583.2).
Genomic context (GRCh38, chr18:49,974,542, plus strand): 5'-ACCTGCTGCAGGGACATGGTCTTGACGTAGGTCTCCGAGGTGGTGACCAGCTTGCGATGA[C>T]ACAGCCAGTGCTCCATCTGACTGTGCTCCACCCCTAGCAGTCGGCAGAAGTTGCTTAGGT-3'
Protein context (NP_001073936.1, residues 367-387): VEHSQMEHWL[Cys377Tyr]HRKLVTTSET

ClinVar aggregate classification (germline): Uncertain significance. Review status: criteria provided, multiple submitters, no conflicts (2 of 4 stars). 2 submissions from 2 submitters: Uncertain significance (2). Last evaluated 2025-09-15.

Conditions:
Inborn genetic diseases. Identifiers: MedGen C0950123, MeSH D030342.

gnomAD v4.1: 50 of 1,614,144 alleles (0.0031%); highest among the groups gnomAD compares: Non-Finnish European, 0.0041%; no homozygotes.

Submissions (2):

Ambry Genetics
Classification: Uncertain significance for Inborn genetic diseases. Last evaluated: 2025-09-15. Review status: criteria provided, single submitter. Criteria: Ambry Variant Classification Scheme 2023. Collection method: clinical testing. Allele origin: germline.

Labcorp Genetics (formerly Invitae), Labcorp
Classification: Uncertain significance. Last evaluated: 2025-04-20. Review status: criteria provided, single submitter. Criteria: Invitae Variant Classification Sherloc (09022015). Collection method: clinical testing. Allele origin: germline.
Comment: This sequence change replaces cysteine, which is neutral and slightly polar, with tyrosine, which is neutral and polar, at codon 377 of the MYO5B protein (p.Cys377Tyr). This variant is present in population databases (rs772997025, gnomAD 0.002%). This variant has not been reported in the literature in individuals affected with MYO5B-related conditions. Invitae Evidence Modeling of protein sequence and biophysical properties (such as structural, functional, and spatial information, amino acid conservation, physicochemical variation, residue mobility, and thermodynamic stability) indicates that this missense variant is expected to disrupt MYO5B protein function with a positive predictive value of 80%. In summary, the available evidence is currently insufficient to determine the role of this variant in disease. Therefore, it has been classified as a Variant of Uncertain Significance.